The following is an entry in ClinVar:

NM_001384140.1(PCDH15):c.809T>C (p.Leu270Pro)

Gene: PCDH15 (protocadherin related 15; minus strand). Cytogenetic location: 10q21.1.
Variant type: single nucleotide variant.
Coding change: c.809T>C on transcript NM_001384140.1 (MANE Select); coding-DNA position 809, T replaced by C.
Protein change: p.Leu270Pro; replaces leucine 270 with proline.
Molecular consequence: missense variant.
Genome position (GRCh38, 1-based): chr10:54,317,338, A>G on the plus strand (T>C on the coding strand, the complement: PCDH15 is on the minus strand). VCF-style: chr10-54317338-A-G. GRCh37 (hg19) VCF-style: chr10-56077098-A-G.
Other names: c.824T>C, p.Leu275Pro (NM_001142763.2, NM_001142769.4, NM_001142771.2); c.809T>C, p.Leu270Pro (NM_001142764.2, NM_001142765.2, NM_001142766.2 and 7 more transcripts); c.698T>C, p.Leu233Pro (NM_001142767.2); c.743T>C, p.Leu248Pro (NM_001142768.2, NM_001142773.2, NM_001354404.2); short protein forms L233P, L275P, L248P, L270P.
Identifiers: ClinVar variation 1974485 (VCV001974485.4), dbSNP rs727503367, ClinGen allele CA376540892.
Genomic context (GRCh38, chr10:54,317,338, plus strand): 5'-CTCAACTCAGGTATGGCAGCTTGATAAGTGAGTGGACGGCAATCACGAGTGTTTGGCACA[A>G]GGACACAAGGAAGAAACATTGGACCCAAGTCATCTCCATCCAGAACATCCACTGTGAGAG-3'
Protein context (NP_001371069.1, residues 260-280): DLGPMFLPCV[Leu270Pro]VPNTRDCRPL

ClinVar aggregate classification (germline): Uncertain significance (1 of 4 stars; one submission).

gnomAD v4.1: 2 of 1,614,048 alleles (0.00012%); highest among the groups gnomAD compares: African/African-American, 0.0027%; no homozygotes.

Submission:

Labcorp Genetics (formerly Invitae), Labcorp
Classification: Uncertain significance. Last evaluated: 2023-12-07. Review status: criteria provided, single submitter. Criteria: Invitae Variant Classification Sherloc (09022015). Collection method: clinical testing. Allele origin: germline.
Comment: This sequence change replaces leucine, which is neutral and non-polar, with proline, which is neutral and non-polar, at codon 270 of the PCDH15 protein (p.Leu270Pro). This variant is present in population databases (no rsID available, gnomAD no frequency). This variant has not been reported in the literature in individuals affected with PCDH15-related conditions. ClinVar contains an entry for this variant (Variation ID: 1974485). Advanced modeling of protein sequence and biophysical properties (such as structural, functional, and spatial information, amino acid conservation, physicochemical variation, residue mobility, and thermodynamic stability) performed at Invitae indicates that this missense variant is not expected to disrupt PCDH15 protein function with a negative predictive value of 80%. In summary, the available evidence is currently insufficient to determine the role of this variant in disease. Therefore, it has been classified as a Variant of Uncertain Significance.